The following is an entry in ClinVar:

ClinVar aggregate classification (germline): Uncertain significance (1 of 4 stars; one submission).

Conditions:
Multiple gastrointestinal atresias. Also called: Multiple intestinal atresia; FAMILIAL INTESTINAL POLYATRESIA SYNDROME. Identifiers: Orphanet 2300, MedGen C0220744, MONDO:0009465.

Allele frequency attached by ClinVar (database versions not stated): gnomAD exomes 0.00001; ExAC 0.00002.
gnomAD v4.1: 7 of 1,613,776 alleles (0.00043%); highest among the groups gnomAD compares: South Asian, 0.0044%; no homozygotes.

Submissions (2):

Labcorp Genetics (formerly Invitae), Labcorp
Classification: Uncertain significance for Multiple gastrointestinal atresias. Last evaluated: 2022-05-09. Review status: criteria provided, single submitter. Criteria: Invitae Variant Classification Sherloc (09022015). Collection method: clinical testing. Allele origin: germline.
Comment: This sequence change replaces alanine, which is neutral and non-polar, with valine, which is neutral and non-polar, at codon 738 of the TTC7A protein (p.Ala738Val). This variant is present in population databases (no rsID available, gnomAD 0.01%). This variant has not been reported in the literature in individuals affected with TTC7A-related conditions. Algorithms developed to predict the effect of missense changes on protein structure and function (SIFT, PolyPhen-2, Align-GVGD) all suggest that this variant is likely to be tolerated. In summary, the available evidence is currently insufficient to determine the role of this variant in disease. Therefore, it has been classified as a Variant of Uncertain Significance.

Dr. Peter K. Rogan Lab, Western University
No classification provided (evidence only). Condition: Familial cancer of breast. Review status: no classification provided. Collection method: in vitro. Allele origin: not applicable. Functional consequence: skipped exon. Not counted in ClinVar's aggregate classification.

NM_020458.4(TTC7A):c.2213C>T (p.Ala738Val)

Gene: TTC7A (tetratricopeptide repeat domain 7A; plus strand). Cytogenetic location: 2p21.
Variant type: single nucleotide variant.
Coding change: c.2213C>T on transcript NM_020458.4 (MANE Select); coding-DNA position 2213, C replaced by T.
Protein change: p.Ala738Val; replaces alanine 738 with valine.
Molecular consequence: missense variant.
Genome position (GRCh38, 1-based): chr2:47,060,829, C>T. VCF-style: chr2-47060829-C-T. GRCh37 (hg19) VCF-style: chr2-47287968-C-T.
Other names: c.2285C>T, p.Ala762Val (NM_001288951.2); c.2111C>T, p.Ala704Val (NM_001288953.2); c.1151C>T, p.Ala384Val (NM_001288955.2); short protein forms A704V, A762V, A384V, A738V.
Identifiers: ClinVar variation 2181582 (VCV002181582.3), dbSNP rs951901804, ClinGen allele CA1648066.